The following is an entry in ClinVar:

NM_005592.4(MUSK):c.80-8C>T

Gene: MUSK (muscle associated receptor tyrosine kinase; plus strand). Cytogenetic location: 9q31.3.
Variant type: single nucleotide variant.
Coding change: c.80-8C>T on transcript NM_005592.4 (MANE Select); 8 bases into the intron before coding-DNA position 80, C replaced by T.
Molecular consequence: intron variant.
Genome position (GRCh38, 1-based): chr9:110,682,666, C>T. VCF-style: chr9-110682666-C-T. GRCh37 (hg19) VCF-style: chr9-113444946-C-T.
Other names: c.80-8C>T (NM_001166280.2, NM_001166281.2).
Identifiers: ClinVar variation 364597 (VCV000364597.21), dbSNP rs199705752, ClinGen allele CA5183921.

ClinVar aggregate classification (germline): Benign/Likely benign. Review status: criteria provided, multiple submitters, no conflicts (2 of 4 stars). 4 submissions from 4 submitters: Benign (2); Likely benign (1). 1 of the submissions does not count toward it. Last evaluated 2026-01-20.

Conditions:
Congenital myasthenic syndrome 9. Also called: Myasthenic syndrome, congenital, 9, associated with acetylcholine receptor deficiency. Identifiers: Orphanet 590, MedGen C4225368, MONDO:0014587, OMIM 616325.
Fetal akinesia deformation sequence 1 (FADS1). Also called: Pena-Shokeir syndrome type I; Fetal akinesia sequence. Identifiers: Orphanet 994, MedGen C1276035, MONDO:0100101, OMIM 208150, HP:0001989.
MUSK-related disorder. Also called: MUSK-related condition; MUSK-related disorders.

Allele frequency attached by ClinVar (database versions not stated): gnomAD exomes 0.00020 and 0.00067; ExAC 0.00070; 1000 Genomes Project 0.00180; 1000 Genomes Project 30x 0.00219; gnomAD 0.00285 and 0.00301; ESP Exome Variant Server 0.00293; TOPMed 0.00304.
gnomAD v4.1: 749 of 1,609,844 alleles (0.047%); highest among the groups gnomAD compares: African/African-American, 0.87%; 3 homozygotes.

Submissions (4):

Labcorp Genetics (formerly Invitae), Labcorp
Classification: Benign for Congenital myasthenic syndrome 9; Fetal akinesia deformation sequence 1. Last evaluated: 2026-01-20. Review status: criteria provided, single submitter. Criteria: Invitae Variant Classification Sherloc (09022015). Collection method: clinical testing. Allele origin: germline.

Blueprint Genetics
Classification: Benign. Last evaluated: 2024-09-11. Review status: criteria provided, single submitter. Criteria: ACMG Guidelines, 2015. Collection method: clinical testing. Allele origin: germline.

Illumina Laboratory Services, Illumina
Classification: Likely benign for Congenital myasthenic syndrome 9. Last evaluated: 2018-01-13. Review status: criteria provided, single submitter. Criteria: ICSL Variant Classification Criteria 13 December 2019. Collection method: clinical testing. Allele origin: germline.
Comment: This variant was observed in the ICSL laboratory as part of a predisposition screen in an ostensibly healthy population. It had not been previously curated by ICSL or reported in the Human Gene Mutation Database (HGMD: prior to June 1st, 2018), and was therefore a candidate for classification through an automated scoring system. Utilizing variant allele frequency, disease prevalence and penetrance estimates, and inheritance mode, an automated score was calculated to assess if this variant is too frequent to cause the disease. Based on the score and internal cut-off values, a variant classified as likely benign is not then subjected to further curation. The score for this variant resulted in a classification of likely benign for this disease.

PreventionGenetics, part of Exact Sciences
Classification: Benign for MUSK-related condition. Last evaluated: 2023-05-22. Review status: no assertion criteria provided. Collection method: clinical testing. Allele origin: germline. Not counted in ClinVar's aggregate classification.
Comment: This variant is classified as benign based on ACMG/AMP sequence variant interpretation guidelines (Richards et al. 2015 PMID: 25741868, with internal and published modifications).